The following is an entry in ClinVar:

ClinVar aggregate classification (germline): Benign. Review status: criteria provided, multiple submitters, no conflicts (2 of 4 stars). 5 submissions from 5 submitters: Benign (5). Last evaluated 2026-02-04.

Conditions:
Congenital ichthyosis of skin. Identifiers: MedGen C0020758.

Allele frequency attached by ClinVar (database versions not stated): gnomAD exomes 0.00340 and 0.00923; ExAC 0.01172; gnomAD 0.03525 and 0.03767; TOPMed 0.04140; 1000 Genomes Project 0.04213; ESP Exome Variant Server 0.04336; 1000 Genomes Project 30x 0.04497.
gnomAD v4.1: 10,596 of 1,613,578 alleles (0.66%); highest among the groups gnomAD compares: African/African-American, 12%; 570 homozygotes.

Submissions (5):

Labcorp Genetics (formerly Invitae), Labcorp
Classification: Benign. Last evaluated: 2026-02-04. Review status: criteria provided, single submitter. Criteria: Invitae Variant Classification Sherloc (09022015). Collection method: clinical testing. Allele origin: germline.

Illumina Laboratory Services, Illumina
Classification: Benign for Congenital ichthyosis of skin. Last evaluated: 2018-01-13. Review status: criteria provided, single submitter. Criteria: ICSL Variant Classification Criteria 13 December 2019. Collection method: clinical testing. Allele origin: germline.
Comment: This variant was observed in the ICSL laboratory as part of a predisposition screen in an ostensibly healthy population. It had not been previously curated by ICSL or reported in the Human Gene Mutation Database (HGMD: prior to June 1st, 2018), and was therefore a candidate for classification through an automated scoring system. Utilizing variant allele frequency, disease prevalence and penetrance estimates, and inheritance mode, an automated score was calculated to assess if this variant is too frequent to cause the disease. Based on the score and internal cut-off values, a variant classified as benign is not then subjected to further curation. The score for this variant resulted in a classification of benign for this disease.

Center for Pediatric Genomic Medicine, Children's Mercy Hospital and Clinics
Classification: Benign. Last evaluated: 2015-12-22. Review status: criteria provided, single submitter. Criteria: ACMG Guidelines, 2015. Collection method: clinical testing. Allele origin: germline.

GeneDx
Classification: Benign. Last evaluated: 2015-03-03. Review status: criteria provided, single submitter. Criteria: GeneDx Variant Classification Process June 2021. Collection method: clinical testing. Allele origin: germline. Affected: yes.

Breakthrough Genomics
Classification: Benign. Review status: criteria provided, single submitter. Criteria: ACMG Guidelines, 2015. Collection method: not provided. Allele origin: germline. Inheritance: Autosomal recessive inheritance. Affected: yes.

NM_173076.3(ABCA12):c.821A>G (p.Gln274Arg)

Gene: ABCA12 (ATP binding cassette subfamily A member 12; minus strand). Cytogenetic location: 2q35.
Variant type: single nucleotide variant.
Coding change: c.821A>G on transcript NM_173076.3 (MANE Select); coding-DNA position 821, A replaced by G.
Protein change: p.Gln274Arg; replaces glutamine 274 with arginine.
Molecular consequence: missense variant. On other transcripts: non-coding transcript variant (1).
Genome position (GRCh38, 1-based): chr2:215,045,888, T>C on the plus strand (A>G on the coding strand, the complement: ABCA12 is on the minus strand). VCF-style: chr2-215045888-T-C. GRCh37 (hg19) VCF-style: chr2-215910612-T-C.
Other names: short protein forms Q274R.
Identifiers: ClinVar variation 235321 (VCV000235321.16), dbSNP rs11890468, ClinGen allele CA2092443.